The following is an entry in ClinVar:

NM_206933.4(USH2A):c.13802del (p.Pro4601fs)

Gene: USH2A (usherin; minus strand). Cytogenetic location: 1q41.
Variant type: Deletion.
Coding change: c.13802del on transcript NM_206933.4 (MANE Select); coding-DNA position 13802, one base deleted (C; older notation c.13802delC).
Protein change: p.Pro4601fs; shifts the reading frame from proline 4601.
Molecular consequence: frameshift variant.
Genome position (GRCh38, 1-based): chr1:215,674,109, G deleted on the plus strand (C on the coding strand, the reverse complement: USH2A is on the minus strand); the first of 2 consecutive G bases (chr1:215,674,109-215,674,110); deleting either gives the same sequence. VCF-style (leftmost placement, unchanged base first): chr1-215674108-TG-T. GRCh37 (hg19) VCF-style: chr1-215847450-TG-T.
Other names: short protein forms P4601fs.
Identifiers: ClinVar variation 3645670 (VCV003645670.2).

ClinVar aggregate classification (germline): Pathogenic (1 of 4 stars; one submission).

Submission:

Labcorp Genetics (formerly Invitae), Labcorp
Classification: Pathogenic. Last evaluated: 2024-03-13. Review status: criteria provided, single submitter. Criteria: Invitae Variant Classification Sherloc (09022015). Collection method: clinical testing. Allele origin: germline.
Comment: This sequence change creates a premature translational stop signal (p.Pro4601Hisfs*33) in the USH2A gene. It is expected to result in an absent or disrupted protein product. Loss-of-function variants in USH2A are known to be pathogenic (PMID: 10729113, 10909849, 20507924, 25649381). This variant is not present in population databases (gnomAD no frequency). This variant has not been reported in the literature in individuals affected with USH2A-related conditions. For these reasons, this variant has been classified as Pathogenic.

Literature cited by the submitters: PubMed 10729113; PubMed 10909849; PubMed 20507924; PubMed 25649381.